The following is an entry in ClinVar:

NM_018136.5(ASPM):c.6458A>G (p.Tyr2153Cys)

Gene: ASPM (assembly factor for spindle microtubules; minus strand). Cytogenetic location: 1q31.3.
Variant type: single nucleotide variant.
Coding change: c.6458A>G on transcript NM_018136.5 (MANE Select); coding-DNA position 6458, A replaced by G.
Protein change: p.Tyr2153Cys; replaces tyrosine 2153 with cysteine.
Molecular consequence: missense variant. On other transcripts: intron variant (1).
Genome position (GRCh38, 1-based): chr1:197,102,793, T>C on the plus strand (A>G on the coding strand, the complement: ASPM is on the minus strand). VCF-style: chr1-197102793-T-C. GRCh37 (hg19) VCF-style: chr1-197071923-T-C.
Other names: c.4066-6629A>G (NM_001206846.2); short protein forms Y2153C.
Identifiers: ClinVar variation 1440656 (VCV001440656.6), dbSNP rs2125095117, ClinGen allele CA344022857.

ClinVar aggregate classification (germline): Uncertain significance (1 of 4 stars; one submission).

Submission:

Labcorp Genetics (formerly Invitae), Labcorp
Classification: Uncertain significance. Last evaluated: 2022-11-15. Review status: criteria provided, single submitter. Criteria: Invitae Variant Classification Sherloc (09022015). Collection method: clinical testing. Allele origin: germline.
Comment: This sequence change replaces tyrosine, which is neutral and polar, with cysteine, which is neutral and slightly polar, at codon 2153 of the ASPM protein (p.Tyr2153Cys). This variant is not present in population databases (gnomAD no frequency). This variant has not been reported in the literature in individuals affected with ASPM-related conditions. ClinVar contains an entry for this variant (Variation ID: 1440656). Advanced modeling of protein sequence and biophysical properties (such as structural, functional, and spatial information, amino acid conservation, physicochemical variation, residue mobility, and thermodynamic stability) performed at Invitae indicates that this missense variant is not expected to disrupt ASPM protein function. In summary, the available evidence is currently insufficient to determine the role of this variant in disease. Therefore, it has been classified as a Variant of Uncertain Significance.